The following is an entry in ClinVar:

ClinVar aggregate classification (germline): Uncertain significance (1 of 4 stars; one submission).

gnomAD v4.1: 1 of 1,370,148 alleles (0.000073%); highest among the groups gnomAD compares: African/African-American, 0.0015%; no homozygotes.

Submission:

Labcorp Genetics (formerly Invitae), Labcorp
Classification: Uncertain significance. Last evaluated: 2024-10-17. Review status: criteria provided, single submitter. Criteria: Invitae Variant Classification Sherloc (09022015). Collection method: clinical testing. Allele origin: germline.
Comment: This sequence change replaces glycine, which is neutral and non-polar, with arginine, which is basic and polar, at codon 1310 of the APC2 protein (p.Gly1310Arg). This variant is not present in population databases (gnomAD no frequency). This variant has not been reported in the literature in individuals affected with APC2-related conditions. ClinVar contains an entry for this variant (Variation ID: 1998522). An algorithm developed to predict the effect of missense changes on protein structure and function outputs the following: PolyPhen-2: "Benign". The arginine amino acid residue is found in multiple mammalian species, which suggests that this missense change does not adversely affect protein function. In summary, the available evidence is currently insufficient to determine the role of this variant in disease. Therefore, it has been classified as a Variant of Uncertain Significance.

NM_005883.3(APC2):c.3928G>C (p.Gly1310Arg)

Gene: APC2 (APC regulator of Wnt signaling pathway 2; plus strand). Cytogenetic location: 19p13.3.
Variant type: single nucleotide variant.
Coding change: c.3928G>C on transcript NM_005883.3 (MANE Select); coding-DNA position 3928, G replaced by C.
Protein change: p.Gly1310Arg; replaces glycine 1310 with arginine.
Molecular consequence: missense variant.
Genome position (GRCh38, 1-based): chr19:1,467,229, G>C. VCF-style: chr19-1467229-G-C. GRCh37 (hg19) VCF-style: chr19-1467228-G-C.
Other names: c.3925G>C, p.Gly1309Arg (NM_001351273.1); short protein forms G1309R, G1310R.
Identifiers: ClinVar variation 1998522 (VCV001998522.4), dbSNP rs2512527387, ClinGen allele CA403033584.